The following is an entry in ClinVar:

NM_004448.4(ERBB2):c.766C>T (p.Leu256Phe)

Gene: ERBB2 (erb-b2 receptor tyrosine kinase 2; plus strand). Cytogenetic location: 17q12.
Variant type: single nucleotide variant.
Coding change: c.766C>T on transcript NM_004448.4 (MANE Select); coding-DNA position 766, C replaced by T.
Protein change: p.Leu256Phe; replaces leucine 256 with phenylalanine.
Molecular consequence: missense variant. On other transcripts: non-coding transcript variant (1), intron variant (2).
Genome position (GRCh38, 1-based): chr17:39,710,346, C>T. VCF-style: chr17-39710346-C-T. GRCh37 (hg19) VCF-style: chr17-37866599-C-T.
Other names: c.676C>T, p.Leu226Phe (NM_001005862.3, NM_001289938.2, NM_001382782.1 and 1 more transcripts); c.721C>T, p.Leu241Phe (NM_001289936.2); c.766C>T, p.Leu256Phe (NM_001289937.2, NM_001382784.1, NM_001382785.1 and 16 more transcripts); c.841C>T, p.Leu281Phe (NM_001382787.1); c.757C>T, p.Leu253Phe (NM_001382791.1); c.586C>T, p.Leu196Phe (NM_001382799.1); c.643+465C>T (NM_001382802.1); c.74-1582C>T (NM_001382804.1); short protein forms L196F, L241F, L226F, L256F, L253F, L281F.
Identifiers: ClinVar variation 1948884 (VCV001948884.5), dbSNP rs2145517326, ClinGen allele CA399278923.

ClinVar aggregate classification (germline): Uncertain significance (1 of 4 stars; one submission).

Submission:

Labcorp Genetics (formerly Invitae), Labcorp
Classification: Uncertain significance. Last evaluated: 2022-01-18. Review status: criteria provided, single submitter. Criteria: Invitae Variant Classification Sherloc (09022015). Collection method: clinical testing. Allele origin: germline.
Comment: In summary, the available evidence is currently insufficient to determine the role of this variant in disease. Therefore, it has been classified as a Variant of Uncertain Significance. Algorithms developed to predict the effect of missense changes on protein structure and function (SIFT, PolyPhen-2, Align-GVGD) all suggest that this variant is likely to be tolerated. This variant has not been reported in the literature in individuals affected with ERBB2-related conditions. This variant is not present in population databases (gnomAD no frequency). This sequence change replaces leucine, which is neutral and non-polar, with phenylalanine, which is neutral and non-polar, at codon 256 of the ERBB2 protein (p.Leu256Phe).